The following is an entry in ClinVar:

ClinVar aggregate classification (germline): Likely benign (1 of 4 stars; one submission).

Submission:

CeGaT Center for Human Genetics Tuebingen
Classification: Likely benign. Last evaluated: 2025-07-01. Review status: criteria provided, single submitter. Criteria: CeGaT Center For Human Genetics Tuebingen Variant Classification Criteria Version 2. Collection method: clinical testing. Allele origin: germline. Affected: yes. Observed: 1 variant allele.
Comment: ADNP: PM2:Supporting, BP4, BP7

NM_001282531.3(ADNP):c.2559T>C (p.Asp853=)

Gene: ADNP (activity dependent neuroprotector homeobox; minus strand). Cytogenetic location: 20q13.13.
Variant type: single nucleotide variant.
Coding change: c.2559T>C on transcript NM_001282531.3 (MANE Select); coding-DNA position 2559, T replaced by C.
Protein change: p.Asp853=; no amino-acid change (aspartic acid 853 retained).
Molecular consequence: synonymous variant.
Genome position (GRCh38, 1-based): chr20:50,892,155, A>G on the plus strand (T>C on the coding strand, the complement: ADNP is on the minus strand). VCF-style: chr20-50892155-A-G. GRCh37 (hg19) VCF-style: chr20-49508692-A-G.
Other names: c.2559T>C, p.Asp853= (NM_001282532.2, NM_001347511.2, NM_015339.5 and 1 more transcripts); c.2775T>C, p.Asp925= (NM_001439000.1); c.1875T>C, p.Asp625= (NM_001439001.1).
Identifiers: ClinVar variation 4085096 (VCV004085096.8).